The following is an entry in ClinVar:

NM_006343.3(MERTK):c.2262C>G (p.Tyr754Ter)

Gene: MERTK (MER proto-oncogene, tyrosine kinase; plus strand). Cytogenetic location: 2q13.
Variant type: single nucleotide variant.
Coding change: c.2262C>G on transcript NM_006343.3 (MANE Select); coding-DNA position 2262, C replaced by G.
Protein change: p.Tyr754Ter; replaces tyrosine 754 with a stop codon.
Molecular consequence: nonsense.
Genome position (GRCh38, 1-based): chr2:112,021,494, C>G. VCF-style: chr2-112021494-C-G. GRCh37 (hg19) VCF-style: chr2-112779071-C-G.
Other names: short protein forms Y754*.
Identifiers: ClinVar variation 191125 (VCV000191125.5), dbSNP rs786205535, ClinGen allele CA236070.

ClinVar aggregate classification (germline): Pathogenic/Likely pathogenic. Review status: criteria provided, multiple submitters, no conflicts (2 of 4 stars). 4 submissions from 3 submitters: Pathogenic (1); Likely pathogenic (1). 2 of the submissions do not count toward it. Last evaluated 2024-03-17.

Conditions:
MERTK-related disorder. Also called: MERTK-related condition.
Autosomal recessive retinitis pigmentosa. Identifiers: MedGen C0339526.
Retinitis pigmentosa 38 (RP38). Also called: ROD-CONE DYSTROPHY, CHILDHOOD-ONSET. Identifiers: Orphanet 791, MedGen C3151228, MONDO:0013469, OMIM 613862.

gnomAD v4.1: 1 of 1,613,906 alleles (0.000062%); highest among the groups gnomAD compares: Non-Finnish European, 0.000085%; no homozygotes.

Submissions (4):

Genomic Medicine Center of Excellence, King Faisal Specialist Hospital and Research Centre
Classification: Likely pathogenic for Retinitis pigmentosa 38. Last evaluated: 2024-03-17. Review status: criteria provided, single submitter. Criteria: ACMG Guidelines, 2015. Collection method: research. Allele origin: germline.

Blueprint Genetics
Classification: Pathogenic for MERTK-related disorders. Last evaluated: 2023-10-31. Review status: criteria provided, single submitter. Criteria: ACMG Guidelines, 2015. Collection method: clinical testing. Allele origin: germline. Affected: yes. Observed: 1 variant allele.

Faculty of Health Sciences, Beirut Arab University
Classification: Pathogenic for Autosomal recessive Retinitis Pigmentosa. Last evaluated: 2015-09-10. Review status: no assertion criteria provided. Collection method: literature only. Allele origin: germline. Affected: yes. Observed: 1 variant allele. Not counted in ClinVar's aggregate classification.

Genomic Medicine Center of Excellence, King Faisal Specialist Hospital and Research Centre
Classification: Likely pathogenic. Review status: flagged submission. Criteria: ACMG Guidelines, 2015. Collection method: research. Allele origin: germline. Affected: yes. Not counted in ClinVar's aggregate classification.
ClinVar note: Reason: This record appears to be redundant with a more recent record from the same submitter.
ClinVar note: Notes: SCV000221502 appears to be redundant with SCV004805154.

Literature cited by the submitters: PubMed 26355662 (cited by Faculty of Health Sciences, Beirut Arab University).